The following is an entry in ClinVar:

ClinVar aggregate classification (germline): Uncertain significance (1 of 4 stars; one submission).

Conditions:
Atrioventricular septal defect 4 (AVSD4). Identifiers: MedGen C3280781, MONDO:0013747, OMIM 614430.

Submission:

Labcorp Genetics (formerly Invitae), Labcorp
Classification: Uncertain significance for Atrioventricular septal defect 4. Last evaluated: 2025-02-05. Review status: criteria provided, single submitter. Criteria: Invitae Variant Classification Sherloc (09022015). Collection method: clinical testing. Allele origin: germline.
Comment: This sequence change replaces threonine, which is neutral and polar, with lysine, which is basic and polar, at codon 233 of the GATA4 protein (p.Thr233Lys). This variant is not present in population databases (gnomAD no frequency). This missense change has been observed in individual(s) with clinical features of GATA4-related conditions (PMID: 34829455). Invitae Evidence Modeling of protein sequence and biophysical properties (such as structural, functional, and spatial information, amino acid conservation, physicochemical variation, residue mobility, and thermodynamic stability) indicates that this missense variant is expected to disrupt GATA4 protein function with a positive predictive value of 95%. In summary, the available evidence is currently insufficient to determine the role of this variant in disease. Therefore, it has been classified as a Variant of Uncertain Significance.

Literature cited by the submitters: PubMed 34829455.

NM_001308093.3(GATA4):c.701C>A (p.Thr234Lys)

Gene: GATA4 (GATA binding protein 4). Cytogenetic location: 8p23.1.
Variant type: single nucleotide variant.
Coding change: c.701C>A on transcript NM_001308093.3 (MANE Select); coding-DNA position 701, C replaced by A.
Protein change: p.Thr234Lys; replaces threonine 234 with lysine.
Molecular consequence: missense variant.
Genome position (GRCh38, 1-based): chr8:11,749,000, C>A. VCF-style: chr8-11749000-C-A. GRCh37 (hg19) VCF-style: chr8-11606509-C-A.
Other names: c.80C>A, p.Thr27Lys (NM_001308094.2, NM_001374273.1, NM_001374274.1); c.698C>A, p.Thr233Lys (NM_002052.5); short protein forms T233K, T234K, T27K.
Identifiers: ClinVar variation 3607829 (VCV003607829.2).